The following is an entry in ClinVar:

ClinVar aggregate classification (germline): Uncertain significance. Review status: criteria provided, multiple submitters, no conflicts (2 of 4 stars). 2 submissions from 2 submitters: Uncertain significance (2). Last evaluated 2025-03-23.

Conditions:
Cardiovascular phenotype. Identifiers: MedGen CN230736.

Allele frequency attached by ClinVar (database versions not stated): gnomAD exomes below 0.00001; TOPMed below 0.00001.

Submissions (2):

Ambry Genetics
Classification: Uncertain significance for Cardiovascular phenotype. Last evaluated: 2025-03-23. Review status: criteria provided, single submitter. Criteria: Ambry Variant Classification Scheme 2023. Collection method: clinical testing. Allele origin: germline.
Comment: The p.A44T variant (also known as c.130G>A), located in coding exon 1 of the BGN gene, results from a G to A substitution at nucleotide position 130. The alanine at codon 44 is replaced by threonine, an amino acid with similar properties. This amino acid position is conserved. In addition, this alteration is predicted to be tolerated by in silico analysis. Based on the available evidence, the clinical significance of this variant remains unclear.

Labcorp Genetics (formerly Invitae), Labcorp
Classification: Uncertain significance. Last evaluated: 2022-08-31. Review status: criteria provided, single submitter. Criteria: Invitae Variant Classification Sherloc (09022015). Collection method: clinical testing. Allele origin: germline.
Comment: This variant has not been reported in the literature in individuals affected with BGN-related conditions. In summary, the available evidence is currently insufficient to determine the role of this variant in disease. Therefore, it has been classified as a Variant of Uncertain Significance. Algorithms developed to predict the effect of missense changes on protein structure and function output the following: SIFT: "Not Available"; PolyPhen-2: "Benign"; Align-GVGD: "Not Available". The threonine amino acid residue is found in multiple mammalian species, which suggests that this missense change does not adversely affect protein function. This variant is not present in population databases (gnomAD no frequency). This sequence change replaces alanine, which is neutral and non-polar, with threonine, which is neutral and polar, at codon 44 of the BGN protein (p.Ala44Thr).

NM_001711.6(BGN):c.130G>A (p.Ala44Thr)

Gene: BGN (biglycan; plus strand). Cytogenetic location: Xq28.
Variant type: single nucleotide variant.
Coding change: c.130G>A on transcript NM_001711.6 (MANE Select); coding-DNA position 130, G replaced by A.
Protein change: p.Ala44Thr; replaces alanine 44 with threonine.
Molecular consequence: missense variant.
Genome position (GRCh38, 1-based): chrX:153,504,761, G>A. VCF-style: chrX-153504761-G-A. GRCh37 (hg19) VCF-style: chrX-152770219-G-A.
Other names: c.130G>A (NM_001711.4); short protein forms A44T.
Identifiers: ClinVar variation 1914426 (VCV001914426.6), dbSNP rs2089786477, ClinGen allele CA415068028.